The following is an entry in ClinVar:

ClinVar aggregate classification (germline): Pathogenic (1 of 4 stars; one submission).

Conditions:
Autosomal recessive nonsyndromic hearing loss 1A (DFNB1A). Also called: GJB6-Related DFNB 1 Nonsyndromic Hearing Loss and Deafness; Deafness, autosomal recessive 1A; GJB2-Related Autosomal Recessive Nonsyndromic Hearing Loss; Nonsyndromic Hearing Loss and Deafness, DFNB1; Connexin 26 deafness; Deafness nonsyndromic, Connexin 26 linked. Identifiers: Orphanet 90636, MedGen C2673759, MONDO:0009076, OMIM 220290.

Submission:

Natera, Inc.
Classification: Pathogenic for Autosomal recessive deafness type 1A. Last evaluated: 2025-07-17. Review status: criteria provided, single submitter. Criteria: Natera Variant Classification Schema (03/2026). Collection method: clinical testing. Allele origin: germline.
Comment: The c.40A>T variant in GJB2 is a missense variant predicted to cause substitution of asparagine to tyrosine at amino acid 14. This variant is rare in the general population with a frequency below the threshold expected for the associated phenotype(s). This variant has been observed in affected individual(s) with monoallelic occurrence (heterozygous/hemizygous) (PMID: 16877344, 21410767). This variant has been confirmed as or assumed to be a de novo occurrence in one or more affected individuals (PMID: 16877344). A different variant at the same position has been determined to be Pathogenic or Likely Pathogenic. Computational prediction algorithms indicate this variant is likely to affect gene or protein function. Given the available evidence, this variant is classified as Pathogenic.

Literature cited by the submitters: PubMed 16877344; PubMed 21410767.

NM_004004.6(GJB2):c.40A>T (p.Asn14Tyr)

Gene: GJB2 (gap junction protein beta 2; minus strand). Cytogenetic location: 13q12.11.
Variant type: single nucleotide variant.
Coding change: c.40A>T on transcript NM_004004.6 (MANE Select); coding-DNA position 40, A replaced by T.
Protein change: p.Asn14Tyr; replaces asparagine 14 with tyrosine.
Molecular consequence: missense variant.
Genome position (GRCh38, 1-based): chr13:20,189,542, T>A on the plus strand (A>T on the coding strand, the complement: GJB2 is on the minus strand). VCF-style: chr13-20189542-T-A. GRCh37 (hg19) VCF-style: chr13-20763681-T-A.
Other names: short protein forms N14Y.
Identifiers: ClinVar variation 4815292 (VCV004815292.1).
Genomic context (GRCh38, chr13:20,189,542, plus strand): 5'-TAATGCGAAAAATGAAGAGGACGGTGAGCCAGATCTTTCCAATGCTGGTGGAGTGTTTGT[T>A]CACACCCCCCAGGATCGTCTGCAGCGTGCCCCAATCCATCTTCTACTCTGGGCGGTTTGC-3'
Protein context (NP_003995.2, residues 4-24): GTLQTILGGV[Asn14Tyr]KHSTSIGKIW